The following is an entry in ClinVar:

NM_001903.5(CTNNA1):c.620T>C (p.Met207Thr)

Gene: CTNNA1 (catenin alpha 1; plus strand). Cytogenetic location: 5q31.2.
Variant type: single nucleotide variant.
Coding change: c.620T>C on transcript NM_001903.5 (MANE Select); coding-DNA position 620, T replaced by C.
Protein change: p.Met207Thr; replaces methionine 207 with threonine.
Molecular consequence: missense variant.
Genome position (GRCh38, 1-based): chr5:138,824,561, T>C. VCF-style: chr5-138824561-T-C. GRCh37 (hg19) VCF-style: chr5-138160250-T-C.
Other names: c.620T>C, p.Met207Thr (NM_001290307.3, NM_001323982.2, NM_001323983.1 and 3 more transcripts); c.311T>C, p.Met104Thr (NM_001290309.3); c.251T>C, p.Met84Thr (NM_001290310.3); c.620T>C (NM_001903.2); short protein forms M104T, M207T, M84T.
Identifiers: ClinVar variation 1009000 (VCV001009000.9), dbSNP rs1760443296, ClinGen allele CA361129479.

ClinVar aggregate classification (germline): Uncertain significance. Review status: criteria provided, multiple submitters, no conflicts (2 of 4 stars). 2 submissions from 2 submitters: Uncertain significance (2). Last evaluated 2024-12-16.

Conditions:
Hereditary cancer-predisposing syndrome. Also called: Tumor predisposition; Hereditary neoplastic syndrome; Neoplastic Syndromes, Hereditary; Hereditary Cancer Syndrome. Identifiers: Orphanet 140162, MedGen C0027672, MeSH D009386, MONDO:0015356.

Submissions (2):

Labcorp Genetics (formerly Invitae), Labcorp
Classification: Uncertain significance. Last evaluated: 2024-12-16. Review status: criteria provided, single submitter. Criteria: Invitae Variant Classification Sherloc (09022015). Collection method: clinical testing. Allele origin: germline.
Comment: This sequence change replaces methionine, which is neutral and non-polar, with threonine, which is neutral and polar, at codon 207 of the CTNNA1 protein (p.Met207Thr). This variant is not present in population databases (gnomAD no frequency). This variant has not been reported in the literature in individuals affected with CTNNA1-related conditions. ClinVar contains an entry for this variant (Variation ID: 1009000). Invitae Evidence Modeling of protein sequence and biophysical properties (such as structural, functional, and spatial information, amino acid conservation, physicochemical variation, residue mobility, and thermodynamic stability) indicates that this missense variant is not expected to disrupt CTNNA1 protein function with a negative predictive value of 80%. In summary, the available evidence is currently insufficient to determine the role of this variant in disease. Therefore, it has been classified as a Variant of Uncertain Significance.

Ambry Genetics
Classification: Uncertain significance for Hereditary cancer-predisposing syndrome. Last evaluated: 2023-11-23. Review status: criteria provided, single submitter. Criteria: Ambry Variant Classification Scheme 2023. Collection method: clinical testing. Allele origin: germline.
Comment: The p.M207T variant (also known as c.620T>C), located in coding exon 5 of the CTNNA1 gene, results from a T to C substitution at nucleotide position 620. The methionine at codon 207 is replaced by threonine, an amino acid with similar properties. This amino acid position is conserved. In addition, this alteration is predicted to be deleterious by in silico analysis. Since supporting evidence is limited at this time, the clinical significance of this alteration remains unclear.